The following is an entry in ClinVar:

NM_020765.3(UBR4):c.13602C>T (p.Asn4534=)

Gene: UBR4 (ubiquitin protein ligase E3 component n-recognin 4; minus strand). Cytogenetic location: 1p36.13.
Variant type: single nucleotide variant.
Coding change: c.13602C>T on transcript NM_020765.3 (MANE Select); coding-DNA position 13602, C replaced by T.
Protein change: p.Asn4534=; no amino-acid change (asparagine 4534 retained).
Molecular consequence: synonymous variant.
Genome position (GRCh38, 1-based): chr1:19,095,569, G>A on the plus strand (C>T on the coding strand, the complement: UBR4 is on the minus strand). VCF-style: chr1-19095569-G-A. GRCh37 (hg19) VCF-style: chr1-19422063-G-A.
Identifiers: ClinVar variation 2638413 (VCV002638413.24), dbSNP rs34639197, ClinGen allele CA648412.

ClinVar aggregate classification (germline): Likely benign (1 of 4 stars; one submission).

Allele frequency attached by ClinVar (database versions not stated): gnomAD exomes 0.00024; ESP Exome Variant Server 0.00031; TOPMed 0.00036; gnomAD 0.00037; ExAC 0.00040.
gnomAD v4.1: 442 of 1,613,884 alleles (0.027%); highest among the groups gnomAD compares: Middle Eastern, 0.017%; 1 homozygote.

Submission:

CeGaT Center for Human Genetics Tuebingen
Classification: Likely benign. Last evaluated: 2023-04-01. Review status: criteria provided, single submitter. Criteria: CeGaT Center For Human Genetics Tuebingen Variant Classification Criteria Version 2. Collection method: clinical testing. Allele origin: germline. Affected: yes. Observed: 1 variant allele.
Comment: UBR4: BP4, BP7